The following is an entry in ClinVar:

NM_000530.8(MPZ):c.704A>G (p.Lys235Arg)

Gene: MPZ (myelin protein zero; minus strand). Cytogenetic location: 1q23.3.
Variant type: single nucleotide variant.
Coding change: c.704A>G on transcript NM_000530.8 (MANE Select); coding-DNA position 704, A replaced by G.
Protein change: p.Lys235Arg; replaces lysine 235 with arginine.
Molecular consequence: missense variant.
Genome position (GRCh38, 1-based): chr1:161,305,919, T>C on the plus strand (A>G on the coding strand, the complement: MPZ is on the minus strand). VCF-style: chr1-161305919-T-C. GRCh37 (hg19) VCF-style: chr1-161275709-T-C.
Other names: c.704A>G, p.Lys235Arg (NM_001315491.2); short protein forms K235R.
Identifiers: ClinVar variation 917148 (VCV000917148.10), dbSNP rs1670224859, ClinGen allele CA343344086.

ClinVar aggregate classification (germline): Uncertain significance. Review status: criteria provided, multiple submitters, no conflicts (2 of 4 stars). 2 submissions from 2 submitters: Uncertain significance (2). Last evaluated 2022-09-07.

Conditions:
Charcot-Marie-Tooth disease. Also called: Charcot-Marie-Tooth Hereditary Neuropathy; Charcot-Marie-Tooth Neuropathy. Identifiers: Orphanet 166, MedGen C0007959, MONDO:0015626.
Charcot-Marie-Tooth disease, type I (CMT1). Also called: Charcot-Marie-Tooth disease type 1; Charcot-Marie-Tooth, Type 1. Identifiers: Orphanet 65753, MedGen C0751036, MONDO:0019011.

Allele frequency attached by ClinVar (database versions not stated): gnomAD exomes below 0.00001.
gnomAD v4.1: 1 of 1,613,840 alleles (0.000062%); highest among the groups gnomAD compares: Non-Finnish European, 0.000085%; no homozygotes.

Submissions (2):

Labcorp Genetics (formerly Invitae), Labcorp
Classification: Uncertain significance for Charcot-Marie-Tooth disease, type I. Last evaluated: 2022-09-07. Review status: criteria provided, single submitter. Criteria: Invitae Variant Classification Sherloc (09022015). Collection method: clinical testing. Allele origin: germline.
Comment: In summary, the available evidence is currently insufficient to determine the role of this variant in disease. Therefore, it has been classified as a Variant of Uncertain Significance. Algorithms developed to predict the effect of missense changes on protein structure and function are either unavailable or do not agree on the potential impact of this missense change (SIFT: "Deleterious"; PolyPhen-2: "Benign"; Align-GVGD: "Class C0"). ClinVar contains an entry for this variant (Variation ID: 917148). This variant has not been reported in the literature in individuals affected with MPZ-related conditions. This variant is not present in population databases (gnomAD no frequency). This sequence change replaces lysine, which is basic and polar, with arginine, which is basic and polar, at codon 235 of the MPZ protein (p.Lys235Arg).

Molecular Genetics Laboratory, London Health Sciences Centre
Classification: Uncertain significance for Charcot-Marie-Tooth disease. Review status: criteria provided, single submitter. Criteria: ACMG Guidelines, 2015. Collection method: clinical testing. Allele origin: germline. Affected: yes.